The following is an entry in ClinVar:

NM_000535.7(PMS2):c.2285C>A (p.Thr762Asn)

Gene: PMS2 (PMS1 homolog 2, mismatch repair system component; minus strand). Cytogenetic location: 7p22.1.
Variant type: single nucleotide variant.
Coding change: c.2285C>A on transcript NM_000535.7 (MANE Select); coding-DNA position 2285, C replaced by A.
Protein change: p.Thr762Asn; replaces threonine 762 with asparagine.
Molecular consequence: missense variant. On other transcripts: intron variant (2).
Genome position (GRCh38, 1-based): chr7:5,977,748, G>T on the plus strand (C>A on the coding strand, the complement: PMS2 is on the minus strand). VCF-style: chr7-5977748-G-T. GRCh37 (hg19) VCF-style: chr7-6017379-G-T.
Other names: c.1976C>A, p.Thr659Asn (NM_001406879.1, NM_001406880.1, NM_001406881.1 and 4 more transcripts); c.1967C>A, p.Thr656Asn (NM_001406883.1, NM_001322007.2, NM_001322008.2); c.1961C>A, p.Thr654Asn (NM_001406884.1); c.1949C>A, p.Thr650Asn (NM_001406885.1); c.1919C>A, p.Thr640Asn (NM_001406886.1); c.1913C>A, p.Thr638Asn (NM_001406887.1, NM_001406888.1, NM_001322009.2); c.1880C>A, p.Thr627Asn (NM_001406898.1, NM_001406899.1, NM_001322003.2 and 11 more transcripts); c.1820C>A, p.Thr607Asn (NM_001406900.1); and 20 more; short protein forms T505N, T650N, T706N, T721N, T770N, T571N, T627N, T638N.
Identifiers: ClinVar variation 5026903 (VCV005026903.1).

ClinVar aggregate classification (germline): Uncertain significance (1 of 4 stars; one submission).

Conditions:
Hereditary cancer-predisposing syndrome. Also called: Neoplastic Syndromes, Hereditary; Tumor predisposition; Hereditary neoplastic syndrome; Hereditary Cancer Syndrome. Identifiers: Orphanet 140162, MedGen C0027672, MeSH D009386, MONDO:0015356.

Submission:

Ambry Genetics
Classification: Uncertain significance for Hereditary cancer-predisposing syndrome. Last evaluated: 2026-06-29. Review status: criteria provided, single submitter. Criteria: Ambry Variant Classification Scheme 2023. Collection method: clinical testing. Allele origin: germline.
Comment: The p.T762N variant (also known as c.2285C>A), located in coding exon 14 of the PMS2 gene, results from a C to A substitution at nucleotide position 2285. The threonine at codon 762 is replaced by asparagine, an amino acid with similar properties. This amino acid position is conserved. In addition, this alteration is predicted to be tolerated by in silico analysis. Based on the available evidence, the clinical significance of this variant remains unclear.